The following is an entry in ClinVar:

NM_015346.4(ZFYVE26):c.6986G>A (p.Arg2329Lys)

Gene: ZFYVE26 (zinc finger FYVE-type containing 26; minus strand). Cytogenetic location: 14q24.1.
Variant type: single nucleotide variant.
Coding change: c.6986G>A on transcript NM_015346.4 (MANE Select); coding-DNA position 6986, G replaced by A.
Protein change: p.Arg2329Lys; replaces arginine 2329 with lysine.
Molecular consequence: missense variant.
Genome position (GRCh38, 1-based): chr14:67,755,051, C>T on the plus strand (G>A on the coding strand, the complement: ZFYVE26 is on the minus strand). VCF-style: chr14-67755051-C-T. GRCh37 (hg19) VCF-style: chr14-68221768-C-T.
Other names: short protein forms R2329K.
Identifiers: ClinVar variation 1474226 (VCV001474226.3), dbSNP rs2140184291, ClinGen allele CA390160357.
Genomic context (GRCh38, chr14:67,755,051, plus strand): 5'-ACAGACAACTGCTCCCACCCTTTCTGCCCCACACCAATAGTCCCCTGAACCTCCAGCTAC[C>T]TTGACACATCAGCTGCAGTCATCTTCTTTCTGAAGAATGTGGTTTTCTTCCTTCCAGAGC-3'
Protein context (NP_056161.2, residues 2319-2339): RKKMTAADVS[Arg2329Lys]HMNTLQLQME

ClinVar aggregate classification (germline): Uncertain significance (1 of 4 stars; one submission).

Conditions:
Spastic paraplegia. Identifiers: MedGen C0037772, HP:0001258.

Submission:

Labcorp Genetics (formerly Invitae), Labcorp
Classification: Uncertain significance for Spastic paraplegia. Last evaluated: 2021-12-02. Review status: criteria provided, single submitter. Criteria: Invitae Variant Classification Sherloc (09022015). Collection method: clinical testing. Allele origin: germline.
Comment: This sequence change affects codon 2329 of the ZFYVE26 mRNA. It is a 'silent' change, meaning that it does not change the encoded amino acid sequence of the ZFYVE26 protein. This variant also falls at the last nucleotide of exon 37, which is part of the consensus splice site for this exon. This variant is not present in population databases (gnomAD no frequency). This variant has not been reported in the literature in individuals affected with ZFYVE26-related conditions. Algorithms developed to predict the effect of missense changes on protein structure and function output the following: SIFT: "Tolerated"; PolyPhen-2: "Benign"; Align-GVGD: "Class C0". The lysine amino acid residue is found in multiple mammalian species, which suggests that this missense change does not adversely affect protein function. Variants that disrupt the consensus splice site are a relatively common cause of aberrant splicing (PMID: 17576681, 9536098). Algorithms developed to predict the effect of sequence changes on RNA splicing suggest that this variant may disrupt the consensus splice site. In summary, the available evidence is currently insufficient to determine the role of this variant in disease. Therefore, it has been classified as a Variant of Uncertain Significance.

Literature cited by the submitters: PubMed 17576681; PubMed 9536098.